The following is an entry in ClinVar:

NM_000465.4(BARD1):c.1883G>T (p.Cys628Phe)

Gene: BARD1 (BRCA1 associated RING domain 1; minus strand). Cytogenetic location: 2q35.
Variant type: single nucleotide variant.
Coding change: c.1883G>T on transcript NM_000465.4 (MANE Select); coding-DNA position 1883, G replaced by T.
Protein change: p.Cys628Phe; replaces cysteine 628 with phenylalanine.
Molecular consequence: missense variant. On other transcripts: non-coding transcript variant (3), intron variant (1).
Genome position (GRCh38, 1-based): chr2:214,745,087, C>A on the plus strand (G>T on the coding strand, the complement: BARD1 is on the minus strand). VCF-style: chr2-214745087-C-A. GRCh37 (hg19) VCF-style: chr2-215609811-C-A.
Other names: c.1826G>T, p.Cys609Phe (NM_001282543.2); c.530G>T, p.Cys177Phe (NM_001282545.2); c.473G>T, p.Cys158Phe (NM_001282548.2); c.365-14579G>T (NM_001282549.2); short protein forms C628F, C158F, C177F, C609F.
Identifiers: ClinVar variation 530051 (VCV000530051.21), dbSNP rs1227794803, ClinGen allele CA350452089.

ClinVar aggregate classification (germline): Uncertain significance. Review status: criteria provided, multiple submitters, no conflicts (2 of 4 stars). 6 submissions from 6 submitters: Uncertain significance (5). 1 of the submissions does not count toward it. Last evaluated 2026-09-08.

Conditions:
BARD1-related disorder. Also called: BARD1-related condition.
Familial cancer of breast. Also called: hereditary breast carcinoma; Hereditary breast cancer; BREAST CANCER, FAMILIAL. Identifiers: Orphanet 227535, MedGen C0346153, MONDO:0016419, OMIM 114480. Disease mechanism: loss of function.
Malignant tumor of breast. Also called: Malignant breast neoplasm; Cancer breast. Identifiers: MedGen C0006142, MONDO:0007254. Disease mechanism: loss of function.
Hereditary cancer-predisposing syndrome. Also called: Hereditary neoplastic syndrome; Hereditary Cancer Syndrome; Neoplastic Syndromes, Hereditary; Tumor predisposition. Identifiers: Orphanet 140162, MedGen C0027672, MeSH D009386, MONDO:0015356.

Allele frequency attached by ClinVar (database versions not stated): gnomAD 0.00001; gnomAD exomes 0.00001.
gnomAD v4.1: 5 of 1,613,776 alleles (0.00031%); highest among the groups gnomAD compares: Non-Finnish European, 0.00042%; no homozygotes.

Submissions (6):

PreventionGenetics, part of Exact Sciences
Classification: Uncertain significance for BARD1-related condition. Last evaluated: 2026-09-08. Review status: criteria provided, single submitter. Criteria: ACMG Guidelines, 2015. Collection method: clinical testing. Allele origin: germline.
Comment: The BARD1 c.1883G>T variant is predicted to result in the amino acid substitution p.Cys628Phe. This variant has been identified in an individual with breast cancer (Lerner-Ellis et al. 2020. PubMed ID: 32885271). It is reported in 0.0023% of alleles in individuals of European (Non-Finnish) descent in gnomAD and is classified as uncertain in ClinVar (Variation ID: 530051). At this time, the clinical significance of this variant is uncertain due to the absence of conclusive functional and genetic evidence.

Labcorp Genetics (formerly Invitae), Labcorp
Classification: Uncertain significance for Familial cancer of breast. Last evaluated: 2025-12-27. Review status: criteria provided, single submitter. Criteria: Invitae Variant Classification Sherloc (09022015). Collection method: clinical testing. Allele origin: germline.
Comment: This sequence change replaces cysteine, which is neutral and slightly polar, with phenylalanine, which is neutral and non-polar, at codon 628 of the BARD1 protein (p.Cys628Phe). The frequency data for this variant in the population databases is considered unreliable, as metrics indicate poor data quality at this position in the gnomAD database. This variant has not been reported in the literature in individuals affected with BARD1-related conditions. ClinVar contains an entry for this variant (Variation ID: 530051). An algorithm developed to predict the effect of missense changes on protein structure and function (PolyPhen-2) suggests that this variant is likely to be disruptive. In summary, the available evidence is currently insufficient to determine the role of this variant in disease. Therefore, it has been classified as a Variant of Uncertain Significance.

Color Diagnostics, LLC DBA Color Health
Classification: Uncertain significance for Hereditary cancer-predisposing syndrome. Last evaluated: 2025-07-09. Review status: criteria provided, single submitter. Criteria: ACMG Guidelines, 2015. Collection method: clinical testing. Allele origin: germline.
Comment: This missense variant replaces cysteine with phenylalanine at codon 628 of the BARD1 protein. Computational prediction is inconclusive regarding the impact of this variant on protein structure and function. To our knowledge, functional studies have not been reported for this variant. This variant has not been reported in individuals affected with BARD1-related disorders in the literature. This variant has been identified in 3/282624 chromosomes in the general population by the Genome Aggregation Database (gnomAD). The available evidence is insufficient to determine the role of this variant in disease conclusively. Therefore, this variant is classified as a Variant of Uncertain Significance.

Ambry Genetics
Classification: Uncertain significance for Hereditary cancer-predisposing syndrome. Last evaluated: 2024-09-01. Review status: criteria provided, single submitter. Criteria: Ambry Variant Classification Scheme 2023. Collection method: clinical testing. Allele origin: germline.
Comment: The p.C628F variant (also known as c.1883G>T), located in coding exon 9 of the BARD1 gene, results from a G to T substitution at nucleotide position 1883. The cysteine at codon 628 is replaced by phenylalanine, an amino acid with highly dissimilar properties. This variant was observed in 1/3251 individuals who met eligibility criteria for hereditary breast and ovarian cancer syndrome (Lerner-Ellis J et al. J Cancer Res Clin Oncol, 2021 Mar;147:871-879). This amino acid position is highly conserved in available vertebrate species. In addition, the in silico prediction for this alteration is inconclusive. Since supporting evidence is limited at this time, the clinical significance of this alteration remains unclear.

Baylor Genetics
Classification: Uncertain significance for Familial cancer of breast. Last evaluated: 2019-07-05. Review status: criteria provided, single submitter. Criteria: ACMG Guidelines, 2015. Collection method: clinical testing. Allele origin: paternal. Affected: yes. Study: CSER-TexasKidsCanSeq.
Comment: This variant was determined to be of uncertain significance according to ACMG Guidelines, 2015 [PMID:25741868].

Department of Pathology and Laboratory Medicine, Sinai Health System
Classification: Uncertain significance for Malignant tumor of breast. Review status: no assertion criteria provided. Collection method: clinical testing. Allele origin: unknown. Affected: yes. Study: The Canadian Open Genetics Repository (COGR). Not counted in ClinVar's aggregate classification.
Comment: The BARD1 p.Cys628Phe variant was not identified in the literature. The variant was identified in dbSNP (ID rs1227794803) as â€šÃ„ÃºNAâ€šÃ„Ã¹ allele, and ClinVar (classified as uncertain significance by Invitae). The variant was identified in control databases in 2 of 245984 chromosomes at a frequency of 0.000008 (Genome Aggregation Database Feb 27, 2017), observed in the following population: European Non-Finnish in 2 of 111458 chromosomes (freq: 0.00002) while not observed in the African, Other, Latino, Ashkenazi Jewish, East Asian, Finnish, or South Asian populations. The variant is located within the BRCT functional domain (codons 616-653) of the BARD1 protein, which is involved in DNA repair and cell cycle regulation (Alshatwi 2012). The p.Cys628 residue is conserved in mammals and computational analyses (PolyPhen-2, SIFT, AlignGVGD, BLOSUM, MutationTaster) provide inconsistent predictions regarding the impact of the variant to the protein; this information is not very predictive of pathogenicity. The variant occurs outside of the splicing consensus sequence and in silico or computational prediction software programs (SpliceSiteFinder, MaxEntScan, NNSPLICE, GeneSplicer) do not predict a difference in splicing. In summary, based on the above information the clinical significance of this variant cannot be determined with certainty at this time. This variant is classified as a variant of uncertain significance.

Literature cited by the submitters: PubMed 32885271 (cited by Ambry Genetics).